The following is an entry in ClinVar:

ClinVar aggregate classification (germline): Likely benign. Review status: criteria provided, multiple submitters, no conflicts (2 of 4 stars). 4 submissions from 4 submitters: Likely benign (4). Last evaluated 2025-07-29.

Conditions:
Polycystic kidney disease 5. Identifiers: MedGen C4539903, MONDO:0033281, OMIM 617610.
DZIP1L-related disorder. Also called: DZIP1L-related condition.

Allele frequency attached by ClinVar (database versions not stated): ESP Exome Variant Server 0.00015; gnomAD exomes 0.00017 and 0.00036; TOPMed 0.00018; gnomAD 0.00019; ExAC 0.00022; 1000 Genomes Project 0.00040; 1000 Genomes Project 30x 0.00047.
gnomAD v4.1: 544 of 1,614,160 alleles (0.034%); highest among the groups gnomAD compares: Non-Finnish European, 0.044%; no homozygotes.

Submissions (4):

PreventionGenetics, part of Exact Sciences
Classification: Likely benign for DZIP1L-related condition. Last evaluated: 2025-07-29. Review status: criteria provided, single submitter. Criteria: ACMG Guidelines, 2015. Collection method: clinical testing. Allele origin: germline.
Comment: This variant is classified as likely benign based on ACMG/AMP sequence variant interpretation guidelines (Richards et al. 2015 PMID: 25741868, with internal and published modifications).

Labcorp Genetics (formerly Invitae), Labcorp
Classification: Likely benign. Last evaluated: 2025-06-12. Review status: criteria provided, single submitter. Criteria: Invitae Variant Classification Sherloc (09022015). Collection method: clinical testing. Allele origin: germline.

Blueprint Genetics
Classification: Likely benign. Last evaluated: 2024-08-15. Review status: criteria provided, single submitter. Criteria: ACMG Guidelines, 2015. Collection method: clinical testing. Allele origin: germline.

Fulgent Genetics
Classification: Likely benign for Polycystic kidney disease 5. Last evaluated: 2021-08-21. Review status: criteria provided, single submitter. Criteria: ACMG Guidelines, 2015. Collection method: clinical testing. Allele origin: unknown.

NM_173543.3(DZIP1L):c.1017A>G (p.Arg339=)

Gene: DZIP1L (DAZ interacting zinc finger protein 1 like; minus strand). Cytogenetic location: 3q22.3.
Variant type: single nucleotide variant.
Coding change: c.1017A>G on transcript NM_173543.3 (MANE Select); coding-DNA position 1017, A replaced by G.
Protein change: p.Arg339=; no amino-acid change (arginine 339 retained).
Molecular consequence: synonymous variant.
Genome position (GRCh38, 1-based): chr3:138,087,006, T>C on the plus strand (A>G on the coding strand, the complement: DZIP1L is on the minus strand). VCF-style: chr3-138087006-T-C. GRCh37 (hg19) VCF-style: chr3-137805848-T-C.
Other names: c.1017A>G, p.Arg339= (NM_001170538.1).
Identifiers: ClinVar variation 721269 (VCV000721269.11), dbSNP rs147201722, ClinGen allele CA2635066.
Genomic context (GRCh38, chr3:138,087,006, plus strand): 5'-CCCAACAAAAGCTACCTCTTTCTTCTCAGCCATGTGCTCTTCATGCAGTTCCTTCACTTT[T>C]CTTTTCCACTCCGTTTTCTGAAAAAGATTAAAAGCTTATCAAATGGGCCCTTGCAGGTAT-3'
Protein context (NP_775814.2, residues 329-349): KTEIQKTEWK[Arg339=]KVKELHEEHM